The following is an entry in ClinVar:

NM_000051.4(ATM):c.858A>G (p.Gln286=)

Gene: ATM (ATM serine/threonine kinase; plus strand). Cytogenetic location: 11q22.3.
Variant type: single nucleotide variant.
Coding change: c.858A>G on transcript NM_000051.4 (MANE Select); coding-DNA position 858, A replaced by G.
Protein change: p.Gln286=; no amino-acid change (glutamine 286 retained).
Molecular consequence: synonymous variant.
Genome position (GRCh38, 1-based): chr11:108,244,983, A>G. VCF-style: chr11-108244983-A-G. GRCh37 (hg19) VCF-style: chr11-108115710-A-G.
Other names: c.858A>G, p.Gln286= (NM_001351834.2).
Identifiers: ClinVar variation 185146 (VCV000185146.29), dbSNP rs145301478, ClinGen allele CA191148.

ClinVar aggregate classification (germline): Conflicting classifications of pathogenicity. Review status: criteria provided, conflicting classifications (1 of 4 stars). 10 submissions from 10 submitters: Uncertain significance (4); Benign (1); Likely benign (4). 1 of the submissions does not count toward it. Last evaluated 2026-01-11.

Conditions:
ATM-related disorder. Also called: ATM-related disorders; ATM-related condition.
Hereditary cancer-predisposing syndrome. Also called: Neoplastic Syndromes, Hereditary; Hereditary neoplastic syndrome; Tumor predisposition; Hereditary Cancer Syndrome. Identifiers: Orphanet 140162, MedGen C0027672, MeSH D009386, MONDO:0015356.
Familial cancer of breast. Also called: BREAST CANCER, FAMILIAL; Hereditary breast cancer; hereditary breast carcinoma. Identifiers: Orphanet 227535, MedGen C0346153, MONDO:0016419, OMIM 114480. Disease mechanism: loss of function.
Ataxia-telangiectasia syndrome (AT). Also called: LOUIS-BAR SYNDROME; Ataxia-telangiectasia, complementation group D; AT, COMPLEMENTATION GROUP C; ATAXIA-TELANGIECTASIA, COMPLEMENTATION GROUP A; ATAXIA-TELANGIECTASIA, FRESNO VARIANT; Ataxia-telangiectasia. Identifiers: Orphanet 100, MedGen C0004135, MONDO:0008840, OMIM 208900.

Allele frequency attached by ClinVar (database versions not stated): gnomAD exomes 0.00001; gnomAD 0.00001; TOPMed 0.00002; ExAC 0.00003; ESP Exome Variant Server 0.00015.

Submissions (10):

Labcorp Genetics (formerly Invitae), Labcorp
Classification: Likely benign for Ataxia-telangiectasia syndrome. Last evaluated: 2026-01-11. Review status: criteria provided, single submitter. Criteria: Invitae Variant Classification Sherloc (09022015). Collection method: clinical testing. Allele origin: germline.

Dasa
Classification: Uncertain significance for hereditary breast carcinoma. Last evaluated: 2026-01-05. Review status: criteria provided, single submitter. Criteria: DASA Assertion Criteria. Collection method: clinical testing. Allele origin: germline.
Comment: NM_000051.4(ATM):c.858A>G (p.Gln286=) is a synonymous variant predicted not to alter the encoded amino acid sequence. This variant is rare in population databases. Computational prediction algorithms are consistent with a deleterious effect. The currently available literature and clinical evidence are not sufficient to establish a definitive association between this variant and the reported condition. Therefore, this variant is classified as a variant of uncertain significance.

Molecular Diagnostics Laboratory, Catalan Institute of Oncology
Classification: Uncertain significance for Hereditary cancer-predisposing syndrome. Last evaluated: 2025-01-28. Review status: criteria provided, single submitter. Criteria: ClinGen ACMG Specifications ATM V1.1.0. Collection method: clinical testing. Allele origin: germline.
Comment: BP7 c.858A>G, located in exon 7 of the ATM gene, is predicted to result in no amino acid change, p.(Gln286=) (BP7). This variant is found in 3/266746 alleles at a frequency of 0.0011% in the gnomAD v2.1.1 database, non-cancer dataset. The SpliceAI algorithm results in a non-informative delta score (0.21) for the effect of this variant on splicing. To our knowledge, neither relevant clinical data nor well-established functional studies have been reported for this variant. This variant has been reported in the ClinVar database (1x benign, 5x likely benign, 1x uncertain significance) and has not been reported in LOVD. Based on currently available information, the variant c.858A>G should be considered an uncertain significance variant according to ACMG Classification Rules Specified for ATM v1.1.

Quest Diagnostics Nichols Institute San Juan Capistrano
Classification: Uncertain significance. Last evaluated: 2024-10-25. Review status: criteria provided, single submitter. Criteria: Quest Diagnostics criteria. Collection method: clinical testing. Allele origin: unknown.
Comment: The ATM c.858A>G (p.Gln286=) synonymous variant has not been reported in individuals with ATM-related conditions in the published literature. The frequency of this variant in the general population, 0.000011 (3/281212 chromosomes (Genome Aggregation Database)), is uninformative in the assessment of its pathogenicity. Analysis of this variant using software algorithms for the prediction of the effect of nucleotide changes on splicing yielded predictions that this variant does not affect ATM mRNA splicing. Based on the available information, we are unable to determine the clinical significance of this variant.

Myriad Genetics, Inc.
Classification: Benign for Familial cancer of breast. Last evaluated: 2024-04-23. Review status: criteria provided, single submitter. Criteria: Myriad Autosomal Dominant, Autosomal Recessive and X-Linked Classification Criteria (2023). Collection method: clinical testing. Allele origin: unknown.
Comment: This variant is considered benign. This variant is a silent/synonymous amino acid change and it is not expected to impact splicing.

GeneDx
Classification: Uncertain significance. Last evaluated: 2024-02-12. Review status: criteria provided, single submitter. Criteria: GeneDx Variant Classification Process June 2021. Collection method: clinical testing. Allele origin: germline. Affected: yes.
Comment: Not observed at significant frequency in large population cohorts (gnomAD); In silico analysis suggests this variant may impact gene splicing. In the absence of RNA/functional studies, the actual effect of this sequence change is unknown.; Has not been previously published as pathogenic or benign to our knowledge

Women's Health and Genetics/Laboratory Corporation of America, LabCorp
Classification: Likely benign. Last evaluated: 2020-11-06. Review status: criteria provided, single submitter. Criteria: LabCorp Variant Classification Summary - May 2015. Collection method: clinical testing. Allele origin: germline.

Color Diagnostics, LLC DBA Color Health
Classification: Likely benign for Hereditary cancer-predisposing syndrome. Last evaluated: 2016-04-27. Review status: criteria provided, single submitter. Criteria: ACMG Guidelines, 2015. Collection method: clinical testing. Allele origin: germline.

Ambry Genetics
Classification: Likely benign for Hereditary cancer-predisposing syndrome. Last evaluated: 2014-05-29. Review status: criteria provided, single submitter. Criteria: Ambry Variant Classification Scheme 2023. Collection method: clinical testing. Allele origin: germline.

PreventionGenetics, part of Exact Sciences
Classification: Likely benign for ATM-related condition. Last evaluated: 2023-05-04. Review status: no assertion criteria provided. Collection method: clinical testing. Allele origin: germline. Not counted in ClinVar's aggregate classification.
Comment: This variant is classified as likely benign based on ACMG/AMP sequence variant interpretation guidelines (Richards et al. 2015 PMID: 25741868, with internal and published modifications).